The following is an entry in ClinVar:

ClinVar aggregate classification (germline): Uncertain significance (1 of 4 stars; one submission).

Submission:

Ambry Genetics
Classification: Uncertain significance. Last evaluated: 2021-10-26. Review status: criteria provided, single submitter. Criteria: Ambry Variant Classification Scheme 2023. Collection method: clinical testing. Allele origin: germline.
Comment: The p.V350G variant (also known as c.1049T>G), located in coding exon 5 of the MNDA gene, results from a T to G substitution at nucleotide position 1049. The valine at codon 350 is replaced by glycine, an amino acid with dissimilar properties. This amino acid position is conserved. In addition, the in silico prediction for this alteration is inconclusive. Since supporting evidence is limited at this time, the clinical significance of this alteration remains unclear.

NM_002432.3(MNDA):c.1049T>G (p.Val350Gly)

Gene: MNDA (myeloid cell nuclear differentiation antigen; plus strand). Cytogenetic location: 1q23.1.
Variant type: single nucleotide variant.
Coding change: c.1049T>G on transcript NM_002432.3 (MANE Select); coding-DNA position 1049, T replaced by G.
Protein change: p.Val350Gly; replaces valine 350 with glycine.
Molecular consequence: missense variant.
Genome position (GRCh38, 1-based): chr1:158,847,789, T>G. VCF-style: chr1-158847789-T-G. GRCh37 (hg19) VCF-style: chr1-158817579-T-G.
Other names: short protein forms V350G.
Identifiers: ClinVar variation 1776469 (VCV001776469.2), dbSNP rs781216436, ClinGen allele CA343044033.